The following is an entry in ClinVar:

ClinVar aggregate classification (germline): Uncertain significance (1 of 4 stars; one submission).

Conditions:
Cortical dysplasia-focal epilepsy syndrome (PTHSL1). Also called: Pitt-Hopkins-like syndrome 1. Identifiers: Orphanet 163681, Orphanet 221150, MedGen C2750246, MONDO:0012400, OMIM 610042.

Submission:

Labcorp Genetics (formerly Invitae), Labcorp
Classification: Uncertain significance for Cortical dysplasia-focal epilepsy syndrome. Last evaluated: 2024-11-04. Review status: criteria provided, single submitter. Criteria: Invitae Variant Classification Sherloc (09022015). Collection method: clinical testing. Allele origin: germline.
Comment: This sequence change replaces glutamic acid, which is acidic and polar, with glutamine, which is neutral and polar, at codon 733 of the CNTNAP2 protein (p.Glu733Gln). This variant is not present in population databases (gnomAD no frequency). This variant has not been reported in the literature in individuals affected with CNTNAP2-related conditions. ClinVar contains an entry for this variant (Variation ID: 2153820). An algorithm developed to predict the effect of missense changes on protein structure and function (PolyPhen-2) suggests that this variant is likely to be tolerated. In summary, the available evidence is currently insufficient to determine the role of this variant in disease. Therefore, it has been classified as a Variant of Uncertain Significance.

NM_014141.6(CNTNAP2):c.2197G>C (p.Glu733Gln)

Gene: CNTNAP2 (contactin associated protein 2; plus strand). Cytogenetic location: 7q35.
Variant type: single nucleotide variant.
Coding change: c.2197G>C on transcript NM_014141.6 (MANE Select); coding-DNA position 2197, G replaced by C.
Protein change: p.Glu733Gln; replaces glutamic acid 733 with glutamine.
Molecular consequence: missense variant.
Genome position (GRCh38, 1-based): chr7:147,903,663, G>C. VCF-style: chr7-147903663-G-C. GRCh37 (hg19) VCF-style: chr7-147600755-G-C.
Other names: short protein forms E733Q.
Identifiers: ClinVar variation 2153820 (VCV002153820.4), dbSNP rs991842796, ClinGen allele CA369927006.